The following is an entry in ClinVar:

ClinVar aggregate classification (germline): Uncertain significance (1 of 4 stars; one submission).

Allele frequency attached by ClinVar (database versions not stated): ExAC 0.00001; gnomAD 0.00001; gnomAD exomes 0.00001; TOPMed 0.00001.
gnomAD v4.1: 21 of 1,613,878 alleles (0.0013%); highest among the groups gnomAD compares: Non-Finnish European, 0.0017%; no homozygotes.

Submission:

Labcorp Genetics (formerly Invitae), Labcorp
Classification: Uncertain significance. Last evaluated: 2025-12-16. Review status: criteria provided, single submitter. Criteria: Invitae Variant Classification Sherloc (09022015). Collection method: clinical testing. Allele origin: germline.
Comment: This sequence change replaces serine, which is neutral and polar, with proline, which is neutral and non-polar, at codon 370 of the DSG1 protein (p.Ser370Pro). This variant is present in population databases (rs778888439, gnomAD 0.002%). This variant has not been reported in the literature in individuals affected with DSG1-related conditions. ClinVar contains an entry for this variant (Variation ID: 2176836). Invitae Evidence Modeling of protein sequence and biophysical properties (such as structural, functional, and spatial information, amino acid conservation, physicochemical variation, residue mobility, and thermodynamic stability) indicates that this missense variant is not expected to disrupt DSG1 protein function with a negative predictive value of 80%. In summary, the available evidence is currently insufficient to determine the role of this variant in disease. Therefore, it has been classified as a Variant of Uncertain Significance.

NM_001942.4(DSG1):c.1108T>C (p.Ser370Pro)

Gene: DSG1 (desmoglein 1; plus strand). Cytogenetic location: 18q12.1.
Variant type: single nucleotide variant.
Coding change: c.1108T>C on transcript NM_001942.4 (MANE Select); coding-DNA position 1108, T replaced by C.
Protein change: p.Ser370Pro; replaces serine 370 with proline.
Molecular consequence: missense variant.
Genome position (GRCh38, 1-based): chr18:31,336,456, T>C. VCF-style: chr18-31336456-T-C. GRCh37 (hg19) VCF-style: chr18-28916419-T-C.
Other names: short protein forms S370P.
Identifiers: ClinVar variation 2176836 (VCV002176836.4), dbSNP rs778888439, ClinGen allele CA8926017.